The following is an entry in ClinVar:

NM_033109.5(PNPT1):c.1768A>G (p.Asn590Asp)

Gene: PNPT1 (polyribonucleotide nucleotidyltransferase 1; minus strand). Cytogenetic location: 2p16.1.
Variant type: single nucleotide variant.
Coding change: c.1768A>G on transcript NM_033109.5 (MANE Select); coding-DNA position 1768, A replaced by G.
Protein change: p.Asn590Asp; replaces asparagine 590 with aspartic acid.
Molecular consequence: missense variant.
Genome position (GRCh38, 1-based): chr2:55,645,403, T>C on the plus strand (A>G on the coding strand, the complement: PNPT1 is on the minus strand). VCF-style: chr2-55645403-T-C. GRCh37 (hg19) VCF-style: chr2-55872538-T-C.
Other names: p.N590D:AAC>GAC; short protein forms N590D.
Identifiers: ClinVar variation 138739 (VCV000138739.16), dbSNP rs7594497, ClinGen allele CA302840.
Genomic context (GRCh38, chr2:55,645,403, plus strand): 5'-TATTACCTACAACAGGTCCATTTTCTTTTCTAGATGCTCGAGGTTTTGAAATAGTTTTGT[T>C]CATGATCTGTAATATCTCCTTTTTTGCCACTAGAAGAGAAAAACACAAAAATTATAACTA-3'
Protein context (NP_149100.2, residues 580-600): VAKKEILQIM[Asn590Asp]KTISKPRASR

ClinVar aggregate classification (germline): Benign. Review status: criteria provided, multiple submitters, no conflicts (2 of 4 stars). 5 submissions from 5 submitters: Benign (4). 1 of the submissions does not count toward it. Last evaluated 2026-02-03.

Allele frequency attached by ClinVar (database versions not stated): gnomAD exomes 0.06094 and 0.07303; gnomAD 0.14820 and 0.14191; TOPMed 0.15287; 1000 Genomes Project 30x 0.15022; ExAC 0.08282; ESP Exome Variant Server 0.15711; 1000 Genomes Project 0.14756.
gnomAD v4.1: 111,025 of 1,610,162 alleles (6.9%); highest among the groups gnomAD compares: African/African-American, 37%; 7,848 homozygotes.

Submissions (5):

Labcorp Genetics (formerly Invitae), Labcorp
Classification: Benign. Last evaluated: 2026-02-03. Review status: criteria provided, single submitter. Criteria: Invitae Variant Classification Sherloc (09022015). Collection method: clinical testing. Allele origin: germline.

Eurofins Ntd Llc (ga)
Classification: Benign. Last evaluated: 2015-05-21. Review status: criteria provided, single submitter. Criteria: EGL Classification Definitions 2015. Collection method: clinical testing. Allele origin: germline. Observed: 2 variant alleles, 2 heterozygotes.

GeneDx
Classification: Benign. Last evaluated: 2013-09-05. Review status: criteria provided, single submitter. Criteria: GeneDx Variant Classification (06012015). Collection method: clinical testing. Allele origin: germline. Affected: yes.
Comment: This variant is considered likely benign or benign based on one or more of the following criteria: it is a conservative change, it occurs at a poorly conserved position in the protein, it is predicted to be benign by multiple in silico algorithms, and/or has population frequency not consistent with disease.

Breakthrough Genomics
Classification: Benign. Review status: criteria provided, single submitter. Criteria: ACMG Guidelines, 2015. Collection method: not provided. Allele origin: germline. Inheritance: Autosomal recessive inheritance. Affected: yes.

Mayo Clinic Laboratories, Mayo Clinic
Classification: Benign. Last evaluated: 2016-02-25. Review status: no assertion criteria provided. Collection method: clinical testing. Allele origin: unknown. Not counted in ClinVar's aggregate classification.